The following is an entry in ClinVar:

ClinVar aggregate classification (germline): Conflicting classifications of pathogenicity. Review status: criteria provided, conflicting classifications (1 of 4 stars). 3 submissions from 3 submitters: Uncertain significance (2); Likely benign (1). Last evaluated 2024-10-15.

Conditions:
Hereditary cancer-predisposing syndrome. Also called: Tumor predisposition; Hereditary Cancer Syndrome; Hereditary neoplastic syndrome; Neoplastic Syndromes, Hereditary. Identifiers: Orphanet 140162, MedGen C0027672, MeSH D009386, MONDO:0015356.
Hereditary diffuse gastric adenocarcinoma (HDGC). Also called: DIFFUSE GASTRIC AND LOBULAR BREAST CANCER SYNDROME. Identifiers: Orphanet 26106, MedGen C1708349, MONDO:0007648, OMIM 137215.

Allele frequency attached by ClinVar (database versions not stated): gnomAD exomes below 0.00001; ExAC 0.00001.
gnomAD v4.1: 1 of 1,611,756 alleles (0.000062%); highest among the groups gnomAD compares: South Asian, 0.0011%; no homozygotes.

Submissions (3):

Labcorp Genetics (formerly Invitae), Labcorp
Classification: Uncertain significance. Last evaluated: 2024-10-15. Review status: criteria provided, single submitter. Criteria: Invitae Variant Classification Sherloc (09022015). Collection method: clinical testing. Allele origin: germline.
Comment: This sequence change falls in intron 9 of the CTNNA1 gene. It does not directly change the encoded amino acid sequence of the CTNNA1 protein. It affects a nucleotide within the consensus splice site. This variant is present in population databases (rs755313774, gnomAD 0.003%). This variant has not been reported in the literature in individuals affected with CTNNA1-related conditions. ClinVar contains an entry for this variant (Variation ID: 2135759). Variants that disrupt the consensus splice site are a relatively common cause of aberrant splicing (PMID: 17576681, 9536098). Algorithms developed to predict the effect of sequence changes on RNA splicing suggest that this variant is not likely to affect RNA splicing. In summary, the available evidence is currently insufficient to determine the role of this variant in disease. Therefore, it has been classified as a Variant of Uncertain Significance.

Myriad Genetics, Inc.
Classification: Likely benign for Hereditary diffuse gastric adenocarcinoma. Last evaluated: 2024-10-11. Review status: criteria provided, single submitter. Criteria: Myriad Autosomal Dominant, Autosomal Recessive and X-Linked Classification Criteria (2023). Collection method: clinical testing. Allele origin: unknown.
Comment: This variant is considered likely benign. This variant is intronic and is not expected to impact mRNA splicing.

Ambry Genetics
Classification: Uncertain significance for Hereditary cancer-predisposing syndrome. Last evaluated: 2023-08-21. Review status: criteria provided, single submitter. Criteria: Ambry Variant Classification Scheme 2023. Collection method: clinical testing. Allele origin: germline.
Comment: The c.1297-3T>C intronic variant results from a T to C substitution 3 nucleotides upstream from coding exon 9 in the CTNNA1 gene. This nucleotide position is not well conserved in available vertebrate species. In silico splice site analysis predicts that this alteration will not have any significant effect on splicing. The evidence for this gene-disease relationship is limited; therefore, the clinical significance of this alteration is unclear.

Literature cited by the submitters: PubMed 17576681 (cited by Labcorp Genetics (formerly Invitae), Labcorp); PubMed 9536098 (cited by Labcorp Genetics (formerly Invitae), Labcorp).

NM_001903.5(CTNNA1):c.1297-3T>C

Gene: CTNNA1 (catenin alpha 1; plus strand). Cytogenetic location: 5q31.2.
Variant type: single nucleotide variant.
Coding change: c.1297-3T>C on transcript NM_001903.5 (MANE Select); 3 bases into the intron before coding-DNA position 1297, T replaced by C.
Molecular consequence: intron variant.
Genome position (GRCh38, 1-based): chr5:138,904,346, T>C. VCF-style: chr5-138904346-T-C. GRCh37 (hg19) VCF-style: chr5-138240035-T-C.
Other names: c.1297-3T>C (NM_001323982.2, NM_001323984.2, NM_001290307.3 and 3 more transcripts); c.1297-13396T>C (NM_001323986.2); c.928-3T>C (NM_001290310.3); c.988-3T>C (NM_001290309.3); c.187-3T>C (NM_001323996.1, NM_001323993.1, NM_001324005.1 and 17 more transcripts); c.-211-3T>C (NM_001324007.1, NM_001324009.1, NM_001324006.1 and 1 more transcripts); c.-57-3T>C (NM_001324013.1, NM_001324012.1); c.187-13396T>C (NM_001324011.1); and 1 more.
Identifiers: ClinVar variation 2135759 (VCV002135759.7), dbSNP rs755313774, ClinGen allele CA3431911.
Genomic context (GRCh38, chr5:138,904,346, plus strand): 5'-GTGTGTTTTTTCCTTAGCAGTCAAAAGAGAAAAATCTTTAAAGATTATTTTTTATGTTTA[T>C]AGGTTGCCAACTTGGCCTGTTCCATCTCAAATAATGAAGAAGGTGTAAAGCTTGTTCGAA-3'